The following is an entry in ClinVar:

ClinVar aggregate classification (germline): Uncertain significance. Review status: criteria provided, multiple submitters, no conflicts (2 of 4 stars). 3 submissions from 3 submitters: Uncertain significance (3). Last evaluated 2025-05-14.

Conditions:
Proteasome-associated autoinflammatory syndrome 4. Identifiers: MedGen C5543053, MONDO:0030931, OMIM 619183.

Allele frequency attached by ClinVar (database versions not stated): gnomAD 0.00005 and 0.00006; gnomAD exomes 0.00005; ESP Exome Variant Server 0.00008; ExAC 0.00010; TOPMed 0.00011; 1000 Genomes Project 30x 0.00016; 1000 Genomes Project 0.00020.
gnomAD v4.1: 75 of 1,589,224 alleles (0.0047%); highest among the groups gnomAD compares: African/African-American, 0.013%; no homozygotes.

Submissions (3):

Revvity Omics, Revvity
Classification: Uncertain significance for Proteasome-associated autoinflammatory syndrome 4. Last evaluated: 2025-05-14. Review status: criteria provided, single submitter. Criteria: ACMG Guidelines, 2015. Collection method: clinical testing. Allele origin: germline.

Labcorp Genetics (formerly Invitae), Labcorp
Classification: Uncertain significance. Last evaluated: 2024-08-10. Review status: criteria provided, single submitter. Criteria: Invitae Variant Classification Sherloc (09022015). Collection method: clinical testing. Allele origin: germline.
Comment: This sequence change replaces alanine, which is neutral and non-polar, with threonine, which is neutral and polar, at codon 262 of the PSMG2 protein (p.Ala262Thr). This variant is present in population databases (rs372178016, gnomAD 0.02%). This variant has not been reported in the literature in individuals affected with PSMG2-related conditions. ClinVar contains an entry for this variant (Variation ID: 1391289). An algorithm developed to predict the effect of missense changes on protein structure and function (PolyPhen-2) suggests that this variant is likely to be tolerated. In summary, the available evidence is currently insufficient to determine the role of this variant in disease. Therefore, it has been classified as a Variant of Uncertain Significance.

Ambry Genetics
Classification: Uncertain significance. Last evaluated: 2021-10-22. Review status: criteria provided, single submitter. Criteria: Ambry Variant Classification Scheme 2023. Collection method: clinical testing. Allele origin: germline.

NM_020232.5(PSMG2):c.784G>A (p.Ala262Thr)

Gene: PSMG2 (proteasome assembly chaperone 2; plus strand). Cytogenetic location: 18p11.21.
Variant type: single nucleotide variant.
Coding change: c.784G>A on transcript NM_020232.5 (MANE Select); coding-DNA position 784, G replaced by A.
Protein change: p.Ala262Thr; replaces alanine 262 with threonine.
Molecular consequence: missense variant.
Genome position (GRCh38, 1-based): chr18:12,725,520, G>A. VCF-style: chr18-12725520-G-A. GRCh37 (hg19) VCF-style: chr18-12725519-G-A.
Other names: c.691G>A, p.Ala231Thr (NM_147163.2); c.784G>A (NM_020232.4); short protein forms A262T, A231T.
Identifiers: ClinVar variation 1391289 (VCV001391289.10), dbSNP rs372178016, ClinGen allele CA8898507.
Genomic context (GRCh38, chr18:12,725,520, plus strand): 5'-GCCTCACGGTGGAAAATACCAAGTTCTTGGAGATTACTCTTTGGCAGTGGTCTTCCCCCT[G>A]CACTTTTCTGATCTAATTTCTGTTTTATACCTTATACCCAAAACACTTACTACCAACACA-3'
Protein context (NP_064617.2, residues 252-264): RLLFGSGLPP[Ala262Thr]LF